The following is an entry in ClinVar:

ClinVar aggregate classification (germline): Uncertain significance. Review status: criteria provided, multiple submitters, no conflicts (2 of 4 stars). 3 submissions from 3 submitters: Uncertain significance (3). Last evaluated 2025-11-12.

Conditions:
Inborn genetic diseases. Identifiers: MedGen C0950123, MeSH D030342.
Muscular dystrophy-dystroglycanopathy (congenital with brain and eye anomalies), type A2. Also called: WALKER-WARBURG SYNDROME OR MUSCLE-EYE-BRAIN DISEASE, POMT2-RELATED; MUSCULAR DYSTROPHY-DYSTROGLYCANOPATHY (CONGENITAL WITH BRAIN AND EYE ANOMALIES), TYPE A, 2. Identifiers: Orphanet 588, Orphanet 899, MedGen C3150411, MONDO:0013154, OMIM 613150.
Muscular dystrophy-dystroglycanopathy (congenital with impaired intellectual development), type B, 2. Also called: Muscular dystrophy-dystroglycanopathy (congenital with intellectual disability), type B2; MUSCULAR DYSTROPHY, CONGENITAL, POMT2-RELATED. Identifiers: MedGen C3150416, MONDO:0013160, OMIM 613156.
Autosomal recessive limb-girdle muscular dystrophy type 2N. Also called: MUSCULAR DYSTROPHY-DYSTROGLYCANOPATHY, LIMB-GIRDLE, POMT2-RELATED; Muscular dystrophy-dystroglycanopathy (limb-girdle), type C, 2. Identifiers: Orphanet 206559, MedGen C3150418, MONDO:0013162, OMIM 613158.

Allele frequency attached by ClinVar (database versions not stated): TOPMed 0.00002; gnomAD exomes 0.00001; gnomAD 0.00001; ExAC 0.00002.
gnomAD v4.1: 6 of 1,606,234 alleles (0.00037%); highest among the groups gnomAD compares: Non-Finnish European, 0.00051%; no homozygotes.

Submissions (3):

Ambry Genetics
Classification: Uncertain significance for Inborn genetic diseases. Last evaluated: 2025-11-12. Review status: criteria provided, single submitter. Criteria: Ambry Variant Classification Scheme 2023. Collection method: clinical testing. Allele origin: germline.

Labcorp Genetics (formerly Invitae), Labcorp
Classification: Uncertain significance for Muscular dystrophy-dystroglycanopathy (congenital with impaired intellectual development), type B, 2; Muscular dystrophy-dystroglycanopathy (congenital with brain and eye anomalies), type A2; Autosomal recessive limb-girdle muscular dystrophy type 2N. Last evaluated: 2021-09-02. Review status: criteria provided, single submitter. Criteria: Invitae Variant Classification Sherloc (09022015). Collection method: clinical testing. Allele origin: germline.
Comment: This sequence change replaces valine with leucine at codon 345 of the POMT2 protein (p.Val345Leu). The valine residue is moderately conserved and there is a small physicochemical difference between valine and leucine. This variant is present in population databases (rs779053591, ExAC 0.003%). This variant has not been reported in the literature in individuals affected with POMT2-related conditions. ClinVar contains an entry for this variant (Variation ID: 285224). Algorithms developed to predict the effect of missense changes on protein structure and function (SIFT, PolyPhen-2, Align-GVGD) all suggest that this variant is likely to be tolerated. In summary, the available evidence is currently insufficient to determine the role of this variant in disease. Therefore, it has been classified as a Variant of Uncertain Significance.

Eurofins Ntd Llc (ga)
Classification: Uncertain significance. Last evaluated: 2016-01-13. Review status: criteria provided, single submitter. Criteria: EGL Classification Definitions 2015. Collection method: clinical testing. Allele origin: germline. Observed: 1 variant allele, 1 heterozygote.

NM_013382.7(POMT2):c.1033G>C (p.Val345Leu)

Gene: POMT2 (protein O-mannosyltransferase 2; minus strand). Cytogenetic location: 14q24.3.
Variant type: single nucleotide variant.
Coding change: c.1033G>C on transcript NM_013382.7 (MANE Select); coding-DNA position 1033, G replaced by C.
Protein change: p.Val345Leu; replaces valine 345 with leucine.
Molecular consequence: missense variant.
Genome position (GRCh38, 1-based): chr14:77,296,247, C>G on the plus strand (G>C on the coding strand, the complement: POMT2 is on the minus strand). VCF-style: chr14-77296247-C-G. GRCh37 (hg19) VCF-style: chr14-77762590-C-G.
Other names: c.1033G>C (NM_013382.5); short protein forms V345L.
Identifiers: ClinVar variation 285224 (VCV000285224.11), dbSNP rs779053591, ClinGen allele CA7286006.